The following is an entry in ClinVar:

NM_006796.3(AFG3L2):c.399+5G>C

Gene: AFG3L2 (AFG3 like matrix AAA peptidase subunit 2; minus strand). Cytogenetic location: 18p11.21.
Variant type: single nucleotide variant.
Coding change: c.399+5G>C on transcript NM_006796.3 (MANE Select); 5 bases into the intron after coding-DNA position 399, G replaced by C.
Molecular consequence: intron variant.
Genome position (GRCh38, 1-based): chr18:12,367,271, C>G on the plus strand (G>C on the coding strand, the complement: AFG3L2 is on the minus strand). VCF-style: chr18-12367271-C-G. GRCh37 (hg19) VCF-style: chr18-12367270-C-G.
Identifiers: ClinVar variation 3360425 (VCV003360425.1).

ClinVar aggregate classification (germline): Uncertain significance (1 of 4 stars; one submission).

gnomAD v4.1: 4 of 1,614,178 alleles (0.00025%); highest among the groups gnomAD compares: Non-Finnish European, 0.00034%; no homozygotes.

Submission:

GeneDx
Classification: Uncertain significance. Last evaluated: 2023-07-11. Review status: criteria provided, single submitter. Criteria: GeneDx Variant Classification Process June 2021. Collection method: clinical testing. Allele origin: germline. Affected: yes.
Comment: Intronic variant directly or indirectly altering the +5 splice site in a gene for which loss of function is a known mechanism of disease, and splice predictors support a deleterious effect; Not observed at significant frequency in large population cohorts (gnomAD); Has not been previously published as pathogenic or benign to our knowledge